The following is an entry in ClinVar:

NM_032861.4(SERAC1):c.413G>A (p.Arg138Gln)

Gene: SERAC1 (serine active site containing 1; minus strand). Cytogenetic location: 6q25.3.
Variant type: single nucleotide variant.
Coding change: c.413G>A on transcript NM_032861.4 (MANE Select); coding-DNA position 413, G replaced by A.
Protein change: p.Arg138Gln; replaces arginine 138 with glutamine.
Molecular consequence: missense variant. On other transcripts: non-coding transcript variant (1).
Genome position (GRCh38, 1-based): chr6:158,146,856, C>T on the plus strand (G>A on the coding strand, the complement: SERAC1 is on the minus strand). VCF-style: chr6-158146856-C-T. GRCh37 (hg19) VCF-style: chr6-158567888-C-T.
Other names: p.R138Q:CGG>CAG; short protein forms R138Q.
Identifiers: ClinVar variation 215140 (VCV000215140.12), dbSNP rs863224200, ClinGen allele CA321677.

ClinVar aggregate classification (germline): Uncertain significance. Review status: criteria provided, multiple submitters, no conflicts (2 of 4 stars). 3 submissions from 3 submitters: Uncertain significance (3). Last evaluated 2022-08-11.

Conditions:
3-methylglutaconic aciduria with deafness, encephalopathy, and Leigh-like syndrome (MEGDEL). Also called: SERAC1 Deficiency; 3-METHYLGLUTACONIC ACIDURIA, TYPE VI; MEGDEL syndrome. Identifiers: Orphanet 352328, MedGen C4040739, MONDO:0013875, OMIM 614739.

Allele frequency attached by ClinVar (database versions not stated): gnomAD exomes 0.00001 and 0.00002; gnomAD 0.00004; TOPMed 0.00011.
gnomAD v4.1: 22 of 1,613,790 alleles (0.0014%); highest among the groups gnomAD compares: Admixed American, 0.015%; no homozygotes.

Submissions (3):

GeneDx
Classification: Uncertain significance. Last evaluated: 2022-08-11. Review status: criteria provided, single submitter. Criteria: GeneDx Variant Classification Process June 2021. Collection method: clinical testing. Allele origin: germline. Affected: yes.
Comment: Not observed at significant frequency in large population cohorts (gnomAD); In silico analysis supports that this missense variant does not alter protein structure/function; Has not been previously published as pathogenic or benign to our knowledge

Labcorp Genetics (formerly Invitae), Labcorp
Classification: Uncertain significance for 3-methylglutaconic aciduria with deafness, encephalopathy, and Leigh-like syndrome. Last evaluated: 2022-08-09. Review status: criteria provided, single submitter. Criteria: Invitae Variant Classification Sherloc (09022015). Collection method: clinical testing. Allele origin: germline.
Comment: In summary, the available evidence is currently insufficient to determine the role of this variant in disease. Therefore, it has been classified as a Variant of Uncertain Significance. Algorithms developed to predict the effect of sequence changes on RNA splicing suggest that this variant may create or strengthen a splice site. Algorithms developed to predict the effect of missense changes on protein structure and function output the following: SIFT: "Tolerated"; PolyPhen-2: "Benign"; Align-GVGD: "Class C0". The glutamine amino acid residue is found in multiple mammalian species, which suggests that this missense change does not adversely affect protein function. ClinVar contains an entry for this variant (Variation ID: 215140). This variant has not been reported in the literature in individuals affected with SERAC1-related conditions. This variant is present in population databases (no rsID available, gnomAD 0.009%). This sequence change replaces arginine, which is basic and polar, with glutamine, which is neutral and polar, at codon 138 of the SERAC1 protein (p.Arg138Gln).

Genome-Nilou Lab
Classification: Uncertain significance for 3-methylglutaconic aciduria with deafness, encephalopathy, and Leigh-like syndrome. Last evaluated: 2022-03-15. Review status: criteria provided, single submitter. Criteria: ACMG Guidelines, 2015. Collection method: clinical testing. Allele origin: germline. Affected: no.